The following is an entry in ClinVar:

NM_152296.5(ATP1A3):c.1261G>A (p.Ala421Thr)

Gene: ATP1A3 (ATPase Na+/K+ transporting subunit alpha 3; minus strand). Cytogenetic location: 19q13.2.
Variant type: single nucleotide variant.
Coding change: c.1261G>A on transcript NM_152296.5 (MANE Select); coding-DNA position 1261, G replaced by A.
Protein change: p.Ala421Thr; replaces alanine 421 with threonine.
Molecular consequence: missense variant.
Genome position (GRCh38, 1-based): chr19:41,981,763, C>T on the plus strand (G>A on the coding strand, the complement: ATP1A3 is on the minus strand). VCF-style: chr19-41981763-C-T. GRCh37 (hg19) VCF-style: chr19-42485915-C-T.
Other names: c.1294G>A, p.Ala432Thr (NM_001256213.2); c.1300G>A, p.Ala434Thr (NM_001256214.2); c.1261G>A (NM_152296.4); short protein forms A434T, A432T, A421T.
Identifiers: ClinVar variation 1434084 (VCV001434084.9), dbSNP rs782154735, ClinGen allele CA406050342.

ClinVar aggregate classification (germline): Uncertain significance. Review status: criteria provided, multiple submitters, no conflicts (2 of 4 stars). 2 submissions from 2 submitters: Uncertain significance (2). Last evaluated 2024-03-11.

Conditions:
Dystonia 12 (DYT12). Also called: DYT-ATP1A3; Rapid-Onset Dystonia-Parkinsonism (RDP). Identifiers: Orphanet 71517, MedGen C1868681, MONDO:0007496, OMIM 128235.

Allele frequency attached by ClinVar (database versions not stated): gnomAD exomes below 0.00001; gnomAD 0.00001; TOPMed 0.00001.

Submissions (2):

GeneDx
Classification: Uncertain significance. Last evaluated: 2024-03-11. Review status: criteria provided, single submitter. Criteria: GeneDx Variant Classification Process June 2021. Collection method: clinical testing. Allele origin: germline. Affected: yes.
Comment: Not observed at significant frequency in large population cohorts (gnomAD); In silico analysis supports that this missense variant has a deleterious effect on protein structure/function; Has not been previously published as pathogenic or benign to our knowledge

Labcorp Genetics (formerly Invitae), Labcorp
Classification: Uncertain significance for Dystonia 12. Last evaluated: 2020-12-20. Review status: criteria provided, single submitter. Criteria: Invitae Variant Classification Sherloc (09022015). Collection method: clinical testing. Allele origin: germline.
Comment: In summary, the available evidence is currently insufficient to determine the role of this variant in disease. Therefore, it has been classified as a Variant of Uncertain Significance. Advanced modeling of protein sequence and biophysical properties (such as structural, functional, and spatial information, amino acid conservation, physicochemical variation, residue mobility, and thermodynamic stability) performed at Invitae indicates that this missense variant is expected to disrupt ATP1A3 protein function. This variant has not been reported in the literature in individuals with ATP1A3-related conditions. This variant is not present in population databases (ExAC no frequency). This sequence change replaces alanine with threonine at codon 421 of the ATP1A3 protein (p.Ala421Thr). The alanine residue is highly conserved and there is a small physicochemical difference between alanine and threonine.